The following is an entry in ClinVar:

ClinVar aggregate classification (germline): Uncertain significance (1 of 4 stars; one submission).

Allele frequency attached by ClinVar (database versions not stated): ExAC 0.00001.

Submission:

Labcorp Genetics (formerly Invitae), Labcorp
Classification: Uncertain significance. Last evaluated: 2022-06-19. Review status: criteria provided, single submitter. Criteria: Invitae Variant Classification Sherloc (09022015). Collection method: clinical testing. Allele origin: germline.
Comment: In summary, the available evidence is currently insufficient to determine the role of this variant in disease. Therefore, it has been classified as a Variant of Uncertain Significance. Algorithms developed to predict the effect of missense changes on protein structure and function (SIFT, PolyPhen-2, Align-GVGD) all suggest that this variant is likely to be tolerated. This variant has not been reported in the literature in individuals affected with ARNT2-related conditions. This variant is present in population databases (rs765672174, gnomAD 0.0009%). This sequence change replaces methionine, which is neutral and non-polar, with isoleucine, which is neutral and non-polar, at codon 259 of the ARNT2 protein (p.Met259Ile).

NM_014862.4(ARNT2):c.777G>A (p.Met259Ile)

Gene: ARNT2 (aryl hydrocarbon receptor nuclear translocator 2; plus strand). Cytogenetic location: 15q25.1.
Variant type: single nucleotide variant.
Coding change: c.777G>A on transcript NM_014862.4 (MANE Select); coding-DNA position 777, G replaced by A.
Protein change: p.Met259Ile; replaces methionine 259 with isoleucine.
Molecular consequence: missense variant.
Genome position (GRCh38, 1-based): chr15:80,513,962, G>A. VCF-style: chr15-80513962-G-A. GRCh37 (hg19) VCF-style: chr15-80806303-G-A.
Other names: short protein forms M259I.
Identifiers: ClinVar variation 2418463 (VCV002418463.5), dbSNP rs765672174, ClinGen allele CA7691791.
Genomic context (GRCh38, chr15:80,513,962, plus strand): 5'-ACATCTTAGGTGTGGAAATGCTCCTTTGGACCACCTTCCTCTAAACAGAATAACCACCAT[G>A]AGGAAAAGGTTCAGGTCAGTATCTCTTCCGATGTATATTTTGGGACTGTTCTGGTAGATA-3'
Protein context (NP_055677.3, residues 249-269): DHLPLNRITT[Met259Ile]RKRFRNGLGP